The following is an entry in ClinVar:

ClinVar aggregate classification (germline): Uncertain significance (1 of 4 stars; one submission).

Allele frequency attached by ClinVar (database versions not stated): gnomAD exomes below 0.00001.

Submission:

Labcorp Genetics (formerly Invitae), Labcorp
Classification: Uncertain significance. Last evaluated: 2021-12-21. Review status: criteria provided, single submitter. Criteria: Invitae Variant Classification Sherloc (09022015). Collection method: clinical testing. Allele origin: germline.
Comment: This sequence change falls in intron 20 of the SBF1 gene. It does not directly change the encoded amino acid sequence of the SBF1 protein. It affects a nucleotide within the consensus splice site. This variant is not present in population databases (gnomAD no frequency). This variant has not been reported in the literature in individuals affected with SBF1-related conditions. Variants that disrupt the consensus splice site are a relatively common cause of aberrant splicing (PMID: 17576681, 9536098). Algorithms developed to predict the effect of sequence changes on RNA splicing suggest that this variant may disrupt the consensus splice site. In summary, the available evidence is currently insufficient to determine the role of this variant in disease. Therefore, it has been classified as a Variant of Uncertain Significance.

Literature cited by the submitters: PubMed 17576681; PubMed 9536098.

NM_002972.4(SBF1):c.2569+5G>A

Gene: SBF1 (SET binding factor 1; minus strand). Cytogenetic location: 22q13.33.
Variant type: single nucleotide variant.
Coding change: c.2569+5G>A on transcript NM_002972.4 (MANE Select); 5 bases into the intron after coding-DNA position 2569, G replaced by A.
Molecular consequence: intron variant.
Genome position (GRCh38, 1-based): chr22:50,461,942, C>T on the plus strand (G>A on the coding strand, the complement: SBF1 is on the minus strand). VCF-style: chr22-50461942-C-T. GRCh37 (hg19) VCF-style: chr22-50900371-C-T.
Other names: c.2572+5G>A (NM_001365819.1).
Identifiers: ClinVar variation 2042912 (VCV002042912.4), dbSNP rs2067533240, ClinGen allele CA2410868419.
Genomic context (GRCh38, chr22:50,461,942, plus strand): 5'-AGTTCTCACACTTTGTGCCCAGCCCCACCCATCCAAGGGGGAATCACCAGCCCAAACCCC[C>T]GTACCTGGCACCATGACATGCAGCCCCTTGAGGTGGTCGCTGGTGACCCCACTCTCCGTG-3'